The following is an entry in ClinVar:

NM_018489.3(ASH1L):c.7077T>C (p.His2359=)

Gene: ASH1L (ASH1 like histone lysine methyltransferase; minus strand). Cytogenetic location: 1q22.
Variant type: single nucleotide variant.
Coding change: c.7077T>C on transcript NM_018489.3 (MANE Select); coding-DNA position 7077, T replaced by C.
Protein change: p.His2359=; no amino-acid change (histidine 2359 retained).
Molecular consequence: synonymous variant.
Genome position (GRCh38, 1-based): chr1:155,354,609, A>G on the plus strand (T>C on the coding strand, the complement: ASH1L is on the minus strand). VCF-style: chr1-155354609-A-G. GRCh37 (hg19) VCF-style: chr1-155324400-A-G.
Other names: c.7092T>C, p.His2364= (NM_001366177.2).
Identifiers: ClinVar variation 1675382 (VCV001675382.33), dbSNP rs2148360045, ClinGen allele CA421015231.
Genomic context (GRCh38, chr1:155,354,609, plus strand): 5'-GGTGTGCTTTACTTCCTCCTGTTTTTGACGAATCTTCTCCCAGTTTCGGACCAAGAATAC[A>G]TGATGCTTTAACACAAAGTTCCTGCAAGGAAGGAAAAAAAATCTTCCTTTATTCATTAAT-3'
Protein context (NP_060959.2, residues 2349-2369): NRERNFVLKH[His2359=]VFLVRNWEKI

ClinVar aggregate classification (germline): Likely benign (1 of 4 stars; one submission).

Submission:

CeGaT Center for Human Genetics Tuebingen
Classification: Likely benign. Last evaluated: 2022-03-01. Review status: criteria provided, single submitter. Criteria: CeGaT Center For Human Genetics Tuebingen Variant Classification Criteria Version 2. Collection method: clinical testing. Allele origin: germline. Affected: yes. Observed: 1 variant allele.
Comment: ASH1L: PM2:Supporting, BP4, BP7